The following is an entry in ClinVar:

ClinVar aggregate classification (germline): Uncertain significance (1 of 4 stars; one submission).

Conditions:
SUCO-related disorder. Also called: SUCO-related condition.

Submission:

3billion
Classification: Uncertain significance for SUCO-related disorder. Last evaluated: 2025-10-31. Review status: criteria provided, single submitter. Criteria: ACMG Guidelines, 2015. Collection method: clinical testing. Allele origin: germline. Affected: yes.
Comment: The variant is not observed in the gnomAD v4.1.0 dataset. Predicted Consequence/Location: Stop-gained (nonsense): predicted to result in a loss or disruption of normal protein function through nonsense-mediated decay (NMD) or protein truncation. Multiple pathogenic variants are reported downstream of the variant. Therefore, this variant is classified as VUS according to the recommendation of ACMG/AMP guideline.

NM_014283.5(SUCO):c.1823G>A (p.Trp608Ter)

Gene: SUCO (SUN domain containing ossification factor; plus strand). Cytogenetic location: 1q24.3.
Variant type: single nucleotide variant.
Coding change: c.1823G>A on transcript NM_014283.5 (MANE Select); coding-DNA position 1823, G replaced by A.
Protein change: p.Trp608Ter; replaces tryptophan 608 with a stop codon.
Molecular consequence: nonsense.
Genome position (GRCh38, 1-based): chr1:172,588,924, G>A. VCF-style: chr1-172588924-G-A. GRCh37 (hg19) VCF-style: chr1-172558064-G-A.
Other names: c.2276G>A, p.Trp759Ter (NM_016227.4); c.1712G>A, p.Trp571Ter (NM_001282750.2); c.134G>A, p.Trp45Ter (NM_001282751.2); short protein forms W45*, W571*, W608*, W759*.
Identifiers: ClinVar variation 4853956 (VCV004853956.1).
Genomic context (GRCh38, chr1:172,588,924, plus strand): 5'-CAAGTCCATCTACAGTGACCCTTCTGGGCAGCGGTGAACAGGAAGATGAATCATCACCCT[G>A]GTTTGAGTCAGAGACACAAATATTTTGCAGTGAACTGACCACAATTTGTTGTATTTCTAG-3'